The following is an entry in ClinVar:

ClinVar aggregate classification (germline): Uncertain significance (1 of 4 stars; one submission).

Conditions:
Inborn genetic diseases. Identifiers: MedGen C0950123, MeSH D030342.

Allele frequency attached by ClinVar (database versions not stated): ExAC 0.00001; TOPMed 0.00003.
gnomAD v4.1: 9 of 1,211,293 alleles (0.00074%); highest among the groups gnomAD compares: Admixed American, 0.011%; no homozygotes.

Submission:

Ambry Genetics
Classification: Uncertain significance for Inborn genetic diseases. Last evaluated: 2021-01-28. Review status: criteria provided, single submitter. Criteria: Ambry Variant Classification Scheme 2023. Collection method: clinical testing. Allele origin: germline.
Comment: The c.998C>G (p.A333G) alteration is located in exon 9 (coding exon 9) of the MSL3 gene. This alteration results from a C to G substitution at nucleotide position 998, causing the alanine (A) at amino acid position 333 to be replaced by a glycine (G). The p.A333G alteration is predicted to be tolerated by in silico analysis. Based on insufficient or conflicting evidence, the clinical significance of this alteration remains unclear.

NM_078629.4(MSL3):c.998C>G (p.Ala333Gly)

Gene: MSL3 (MSL complex subunit 3; plus strand). Cytogenetic location: Xp22.2.
Variant type: single nucleotide variant.
Coding change: c.998C>G on transcript NM_078629.4 (MANE Select); coding-DNA position 998, C replaced by G.
Protein change: p.Ala333Gly; replaces alanine 333 with glycine.
Molecular consequence: missense variant.
Genome position (GRCh38, 1-based): chrX:11,765,556, C>G. VCF-style: chrX-11765556-C-G. GRCh37 (hg19) VCF-style: chrX-11783675-C-G.
Other names: c.962C>G, p.Ala321Gly (NM_001193270.2); c.551C>G, p.Ala184Gly (NM_001282174.1); c.500C>G, p.Ala167Gly (NM_006800.4); c.998C>G, p.Ala333Gly (NM_078628.2); short protein forms A333G, A167G, A184G, A321G.
Identifiers: ClinVar variation 2382530 (VCV002382530.2), dbSNP rs754592866, ClinGen allele CA10348882.
Genomic context (GRCh38, chrX:11,765,556, plus strand): 5'-CTTTGTTGAATCCATCCACGCCACAGTCCACAGAGAGTCAGCCGACCACCGGTGAACCAG[C>G]CACCCCCAAAAGGCGCAAAGCTGAGCCAGAAGCATTGCAGTCTCTGAGGCGGTCCACGCG-3'
Protein context (NP_523353.2, residues 323-343): TESQPTTGEP[Ala333Gly]TPKRRKAEPE